The following is an entry in ClinVar:

NM_182961.4(SYNE1):c.1878A>G (p.Gln626=)

Gene: SYNE1 (spectrin repeat containing nuclear envelope protein 1; minus strand). Cytogenetic location: 6q25.2.
Variant type: single nucleotide variant.
Coding change: c.1878A>G on transcript NM_182961.4 (MANE Select); coding-DNA position 1878, A replaced by G.
Protein change: p.Gln626=; no amino-acid change (glutamine 626 retained).
Molecular consequence: synonymous variant.
Genome position (GRCh38, 1-based): chr6:152,465,312, T>C on the plus strand (A>G on the coding strand, the complement: SYNE1 is on the minus strand). VCF-style: chr6-152465312-T-C. GRCh37 (hg19) VCF-style: chr6-152786447-T-C.
Other names: p.Gln633=; c.1899A>G, p.Gln633= (NM_033071.5).
Identifiers: ClinVar variation 194900 (VCV000194900.68), dbSNP rs62427038, ClinGen allele CA201427.

ClinVar aggregate classification (germline): Benign/Likely benign. Review status: criteria provided, multiple submitters, no conflicts (2 of 4 stars). 13 submissions from 12 submitters: Benign (4); Likely benign (6). 3 of the submissions do not count toward it. Last evaluated 2026-09-01.

Conditions:
SYNE1-related disorder. Also called: SYNE1-related disease; SYNE1-related condition; SYNE1-related disorders.
Emery-Dreifuss muscular dystrophy 4, autosomal dominant (EDMD4). Also called: EMERY-DREIFUSS MUSCULAR DYSTROPHY 4 WITH VARIABLE FEATURES. Identifiers: Orphanet 261, MedGen C2751807, MONDO:0013071, OMIM 612998.
Autosomal recessive ataxia, Beauce type. Also called: SYNE1 Deficiency; ATAXIA, RECESSIVE, OF BEAUCE; Spinocerebellar ataxia, autosomal recessive 8; SYNE1-Related Autosomal Recessive Cerebellar Ataxia. Identifiers: Orphanet 88644, MedGen C1853116, MONDO:0012549, OMIM 610743.

Allele frequency attached by ClinVar (database versions not stated): 1000 Genomes Project 0.00140; 1000 Genomes Project 30x 0.00141; TOPMed 0.00442; gnomAD 0.00469 and 0.00474; gnomAD exomes 0.00515 and 0.00774; ExAC 0.00538; ESP Exome Variant Server 0.00592.
gnomAD v4.1: 11,922 of 1,613,854 alleles (0.74%); highest among the groups gnomAD compares: Non-Finnish European, 0.92%; 67 homozygotes.

Submissions (13):

CeGaT Center for Human Genetics Tuebingen
Classification: Likely benign. Last evaluated: 2026-09-01. Review status: criteria provided, single submitter. Criteria: CeGaT Center For Human Genetics Tuebingen Variant Classification Criteria Version 2. Collection method: clinical testing. Allele origin: germline. Affected: yes. Observed: 35 variant alleles.
Comment: SYNE1: BP4, BP7, BS2

Labcorp Genetics (formerly Invitae), Labcorp
Classification: Benign for Emery-Dreifuss muscular dystrophy 4, autosomal dominant; Autosomal recessive ataxia, Beauce type. Last evaluated: 2026-02-01. Review status: criteria provided, single submitter. Criteria: Invitae Variant Classification Sherloc (09022015). Collection method: clinical testing. Allele origin: germline.

Blueprint Genetics
Classification: Likely benign. Last evaluated: 2024-11-26. Review status: criteria provided, single submitter. Criteria: ACMG Guidelines, 2015. Collection method: clinical testing. Allele origin: germline.

Athena Diagnostics
Classification: Benign. Last evaluated: 2019-07-17. Review status: criteria provided, single submitter. Criteria: Athena Diagnostics Criteria. Collection method: clinical testing. Allele origin: germline.

Mayo Clinic Laboratories, Mayo Clinic
Classification: Benign. Last evaluated: 2018-02-16. Review status: criteria provided, single submitter. Criteria: ACMG Guidelines, 2015. Collection method: clinical testing. Allele origin: germline. Observed: 17 variant alleles.

GeneDx
Classification: Likely benign. Last evaluated: 2018-02-05. Review status: criteria provided, single submitter. Criteria: GeneDx Variant Classification (06012015). Collection method: clinical testing. Allele origin: germline. Affected: yes.
Comment: This variant is considered likely benign or benign based on one or more of the following criteria: it is a conservative change, it occurs at a poorly conserved position in the protein, it is predicted to be benign by multiple in silico algorithms, and/or has population frequency not consistent with disease.

Illumina Laboratory Services, Illumina
Classification: Likely benign for Autosomal recessive ataxia, Beauce type. Last evaluated: 2018-01-13. Review status: criteria provided, single submitter. Criteria: ICSL Variant Classification Criteria 13 December 2019. Collection method: clinical testing. Allele origin: germline.
Comment: This variant was observed in the ICSL laboratory as part of a predisposition screen in an ostensibly healthy population. It had not been previously curated by ICSL or reported in the Human Gene Mutation Database (HGMD: prior to June 1st, 2018), and was therefore a candidate for classification through an automated scoring system. Utilizing variant allele frequency, disease prevalence and penetrance estimates, and inheritance mode, an automated score was calculated to assess if this variant is too frequent to cause the disease. Based on the score and internal cut-off values, a variant classified as likely benign is not then subjected to further curation. The score for this variant resulted in a classification of likely benign for this disease.

Illumina Laboratory Services, Illumina
Classification: Benign for Emery-Dreifuss muscular dystrophy 4, autosomal dominant. Last evaluated: 2018-01-13. Review status: criteria provided, single submitter. Criteria: ICSL Variant Classification Criteria 13 December 2019. Collection method: clinical testing. Allele origin: germline.
Comment: This variant was observed in the ICSL laboratory as part of a predisposition screen in an ostensibly healthy population. It had not been previously curated by ICSL or reported in the Human Gene Mutation Database (HGMD: prior to June 1st, 2018), and was therefore a candidate for classification through an automated scoring system. Utilizing variant allele frequency, disease prevalence and penetrance estimates, and inheritance mode, an automated score was calculated to assess if this variant is too frequent to cause the disease. Based on the score and internal cut-off values, a variant classified as benign is not then subjected to further curation. The score for this variant resulted in a classification of benign for this disease.

Eurofins Ntd Llc (ga)
Classification: Likely benign. Last evaluated: 2015-03-03. Review status: criteria provided, single submitter. Criteria: EGL Classification Definitions 2015. Collection method: clinical testing. Allele origin: germline. Observed: 2 variant alleles, 2 heterozygotes.

Breakthrough Genomics
Classification: Likely benign. Review status: criteria provided, single submitter. Criteria: ACMG Guidelines, 2015. Collection method: not provided. Allele origin: germline. Inheritance: Autosomal recessive inheritance. Affected: yes.

PreventionGenetics, part of Exact Sciences
Classification: Benign for SYNE1-related condition. Last evaluated: 2019-09-18. Review status: no assertion criteria provided. Collection method: clinical testing. Allele origin: germline. Not counted in ClinVar's aggregate classification.
Comment: This variant is classified as benign based on ACMG/AMP sequence variant interpretation guidelines (Richards et al. 2015 PMID: 25741868, with internal and published modifications).

Clinical Genetics DNA and cytogenetics Diagnostics Lab, Erasmus MC, Erasmus Medical Center
Classification: Likely benign. Review status: no assertion criteria provided. Collection method: clinical testing. Allele origin: germline. Affected: yes. Study: VKGL Data-share Consensus. Not counted in ClinVar's aggregate classification.

Diagnostic Laboratory, Department of Genetics, University Medical Center Groningen
Classification: Likely benign. Review status: no assertion criteria provided. Collection method: clinical testing. Allele origin: germline. Affected: yes. Study: VKGL Data-share Consensus. Not counted in ClinVar's aggregate classification.